The following is an entry in ClinVar:

ClinVar aggregate classification (germline): Uncertain significance (1 of 4 stars; one submission).

Submission:

Labcorp Genetics (formerly Invitae), Labcorp
Classification: Uncertain significance. Last evaluated: 2021-10-09. Review status: criteria provided, single submitter. Criteria: Invitae Variant Classification Sherloc (09022015). Collection method: clinical testing. Allele origin: germline.
Comment: In summary, the available evidence is currently insufficient to determine the role of this variant in disease. Therefore, it has been classified as a Variant of Uncertain Significance. Algorithms developed to predict the effect of missense changes on protein structure and function are either unavailable or do not agree on the potential impact of this missense change (SIFT: "Tolerated"; PolyPhen-2: "Probably Damaging"; Align-GVGD: "Class C0"). This variant has not been reported in the literature in individuals affected with IRF2BP2-related conditions. This variant is not present in population databases (ExAC no frequency). This sequence change replaces lysine with glutamine at codon 324 of the IRF2BP2 protein (p.Lys324Gln). The lysine residue is moderately conserved and there is a small physicochemical difference between lysine and glutamine.

NM_182972.3(IRF2BP2):c.970A>C (p.Lys324Gln)

Genes: IRF2BP2 (interferon regulatory factor 2 binding protein 2; minus strand), LOC129932810 (ATAC-STARR-seq lymphoblastoid active region 2760; plus strand). Cytogenetic location: 1q42.3.
Variant type: single nucleotide variant.
Coding change: c.970A>C on transcript NM_182972.3 (MANE Select); coding-DNA position 970, A replaced by C.
Protein change: p.Lys324Gln; replaces lysine 324 with glutamine.
Molecular consequence: missense variant.
Genome position (GRCh38, 1-based): chr1:234,608,525, T>G on the plus strand (A>C on the coding strand, the complement: IRF2BP2 is on the minus strand). VCF-style: chr1-234608525-T-G. GRCh37 (hg19) VCF-style: chr1-234744271-T-G.
Other names: c.970A>C, p.Lys324Gln (NM_001077397.1); short protein forms K324Q.
Identifiers: ClinVar variation 1500272 (VCV001500272.6), dbSNP rs777757207, ClinGen allele CA345307342.
Genomic context (GRCh38, chr1:234,608,525, plus strand): 5'-CCCCGTTGGCCTCGAAACCCAACAACCTGCCTGCAGTCAGGGCCGGCTCCTTCTTAAACT[T>G]GCTCTCGAAGGGCCCCGAGTGGCCGTGCTGGTGCAGCGCCAGCAGCGTGTCGCGCACGGT-3'
Protein context (NP_892017.2, residues 314-334): QHGHSGPFES[Lys324Gln]FKKEPALTAG